The following is an entry in ClinVar:

ClinVar aggregate classification (germline): Uncertain significance (1 of 4 stars; one submission).

Conditions:
Inborn genetic diseases. Identifiers: MedGen C0950123, MeSH D030342.

gnomAD v4.1: 35 of 1,614,098 alleles (0.0022%); highest among the groups gnomAD compares: South Asian, 0.0055%; no homozygotes.

Submission:

Ambry Genetics
Classification: Uncertain significance for Inborn genetic diseases. Last evaluated: 2026-07-19. Review status: criteria provided, single submitter. Criteria: Ambry Variant Classification Scheme 2023. Collection method: clinical testing. Allele origin: germline.
Comment: The c.2584G>A (p.A862T) alteration is located in exon 3 (coding exon 3) of the PCDHGC4 gene. This alteration results from a G to A substitution at nucleotide position 2584, causing the alanine (A) at amino acid position 862 to be replaced by a threonine (T). Based on data from gnomAD, the A allele has an overall frequency of 0.001% (2/248986) total alleles studied. The highest observed frequency was 0.005% (1/18394) of East Asian alleles. Based on insufficient or conflicting evidence, the clinical significance of this alteration remains unclear.

NM_018928.3(PCDHGC4):c.2584G>A (p.Ala862Thr)

Genes: PCDHG@ (protocadherin gamma cluster; plus strand), PCDHGA1 (protocadherin gamma subfamily A, 1; plus strand), PCDHGA10 (protocadherin gamma subfamily A, 10; plus strand), PCDHGA11 (protocadherin gamma subfamily A, 11; plus strand), PCDHGA12 (protocadherin gamma subfamily A, 12; plus strand) and 18 more. Cytogenetic location: 5q31.3.
Variant type: single nucleotide variant.
Coding change: c.2584G>A on transcript NM_018928.3 (MANE Select); coding-DNA position 2584, G replaced by A.
Protein change: p.Ala862Thr; replaces alanine 862 with threonine.
Molecular consequence: missense variant.
Genome position (GRCh38, 1-based): chr5:141,505,475, G>A. VCF-style: chr5-141505475-G-A. GRCh37 (hg19) VCF-style: chr5-140885042-G-A.
Other names: c.2575G>A, p.Ala859Thr (NM_018914.3); c.2020G>A, p.Ala674Thr (NM_032092.2); c.2578G>A, p.Ala860Thr (NM_018913.3); c.2566G>A, p.Ala856Thr (NM_018921.3, NM_018920.4, NM_018919.3 and 4 more transcripts); c.2563G>A, p.Ala855Thr (NM_018918.3, NM_018912.3, NM_018923.3); c.2656G>A, p.Ala886Thr (NM_018917.4); c.2572G>A, p.Ala858Thr (NM_002588.4); c.172G>A, p.Ala58Thr (NM_032403.3); and 6 more; short protein forms A52T, A851T, A859T, A853T, A860T, A868T, A886T, A58T.
Identifiers: ClinVar variation 5026354 (VCV005026354.1).
Genomic context (GRCh38, chr5:141,505,475, plus strand): 5'-GGCACCTGGCCCAACAACCAGTTTGACACAGAGATGCTGCAAGCCATGATCTTGGCGTCC[G>A]CCAGTGGTAAGTGGTGTCAGTGTGTGTATGGAAGAGTGGGAGACCTGGGGTTCTGGGGTG-3'
Protein context (NP_061751.1, residues 852-872): EMLQAMILAS[Ala862Thr]SEAADGSSTL